The following is an entry in ClinVar:

NM_182476.3(COQ6):c.366C>T (p.Asp122=)

Genes: ENTPD5 (ectonucleoside triphosphate diphosphohydrolase 5; minus strand), COQ6 (coenzyme Q6, monooxygenase; plus strand). Cytogenetic location: 14q24.3.
Variant type: single nucleotide variant.
Coding change: c.366C>T on transcript NM_182476.3 (MANE Select); coding-DNA position 366, C replaced by T.
Protein change: p.Asp122=; no amino-acid change (aspartic acid 122 retained).
Molecular consequence: synonymous variant. On other transcripts: 5 prime UTR variant (2), 3 prime UTR variant (1), intron variant (2).
Genome position (GRCh38, 1-based): chr14:73,955,813, C>T. VCF-style: chr14-73955813-C-T. GRCh37 (hg19) VCF-style: chr14-74422516-C-T.
Other names: c.366C>T, p.Asp122= (NM_001425255.1, NM_001425256.1); c.201C>T, p.Asp67= (NM_001425257.1); c.291C>T, p.Asp97= (NM_001425258.1, NM_182480.3); c.141C>T, p.Asp47= (NM_001425259.1, NM_001425260.1, NM_001425261.1); c.39C>T, p.Asp13= (NM_001425263.1); c.-44C>T (NM_001425264.1, NM_001425265.1); c.*7G>A (NM_001382262.1); c.357+304C>T (NM_001425262.1); and 1 more.
Identifiers: ClinVar variation 1674753 (VCV001674753.27), dbSNP rs754858126, ClinGen allele CA7264158.
Genomic context (GRCh38, chr14:73,955,813, plus strand): 5'-GAGTGATGTTTCCCTCTTGGTTTTAATGCAGACTTTCCTTTTGTGTTTCCAGGTGTGGGA[C>T]GCCTGCTCAGAGGCCCTGATAATGTTTGATAAGGATAATTTAGATGACATGGGCTATATC-3'
Protein context (NP_872282.1, residues 112-132): YRAFRRMQVW[Asp122=]ACSEALIMFD

ClinVar aggregate classification (germline): Benign/Likely benign. Review status: criteria provided, multiple submitters, no conflicts (2 of 4 stars). 2 submissions from 2 submitters: Benign (1); Likely benign (1). Last evaluated 2024-11-10.

Allele frequency attached by ClinVar (database versions not stated): gnomAD 0.00010 and 0.00009; TOPMed 0.00014; gnomAD exomes 0.00017 and 0.00021; ExAC 0.00021.
gnomAD v4.1: 264 of 1,614,052 alleles (0.016%); highest among the groups gnomAD compares: East Asian, 0.26%; 1 homozygote.

Submissions (2):

Labcorp Genetics (formerly Invitae), Labcorp
Classification: Benign. Last evaluated: 2024-11-10. Review status: criteria provided, single submitter. Criteria: Invitae Variant Classification Sherloc (09022015). Collection method: clinical testing. Allele origin: germline.

CeGaT Center for Human Genetics Tuebingen
Classification: Likely benign. Last evaluated: 2024-02-01. Review status: criteria provided, single submitter. Criteria: CeGaT Center For Human Genetics Tuebingen Variant Classification Criteria Version 2. Collection method: clinical testing. Allele origin: germline. Affected: yes. Observed: 1 variant allele.
Comment: COQ6: BP4, BP7